The following is an entry in ClinVar:

NM_000169.3(GLA):c.1045T>A (p.Trp349Arg)

Genes: GLA (galactosidase alpha; minus strand), RPL36A-HNRNPH2 (RPL36A-HNRNPH2 readthrough; plus strand). Cytogenetic location: Xq22.1.
Variant type: single nucleotide variant.
Coding change: c.1045T>A on transcript NM_000169.3 (MANE Select); coding-DNA position 1045, T replaced by A.
Protein change: p.Trp349Arg; replaces tryptophan 349 with arginine.
Molecular consequence: missense variant. On other transcripts: non-coding transcript variant (3), intron variant (2).
Genome position (GRCh38, 1-based): chrX:101,398,054, A>T on the plus strand (T>A on the coding strand, the complement: GLA is on the minus strand). VCF-style: chrX-101398054-A-T. GRCh37 (hg19) VCF-style: chrX-100653042-A-T.
Other names: c.1168T>A, p.Trp390Arg (NM_001406747.1); c.300+2597A>T (NM_001199973.2); c.177+6232A>T (NM_001199974.2); short protein forms W349R, W390R.
Identifiers: ClinVar variation 4087624 (VCV004087624.2).

ClinVar aggregate classification (germline): Pathogenic (1 of 4 stars; one submission).

Conditions:
Fabry disease. Also called: ALPHA-GALACTOSIDASE A DEFICIENCY; ANDERSON-FABRY DISEASE; CERAMIDE TRIHEXOSIDASE DEFICIENCY; GLA DEFICIENCY; HEREDITARY DYSTOPIC LIPIDOSIS; Angiokeratoma corporis diffusum. Identifiers: Orphanet 324, MedGen C0002986, MONDO:0010526, OMIM 301500, HP:0001071. Disease mechanism: Fabry disease is due to inactivating mutations in the X-linked GLA gene resulting in deficiency of the enzyme Alpha Galactosidase-A., loss of function.

Submission:

Genomenon, Inc
Classification: Pathogenic for Fabry disease. Last evaluated: 2026-09-08. Review status: criteria provided, single submitter. Criteria: Genomenon Sequence Variant Interpretation Standards - Updated. Collection method: curation. Allele origin: germline. Affected: yes.
Comment: GLA p.Trp349Arg (c.1045T>A) is a missense variant that changes the amino acid at codon 349 from Tryptophan to Arginine. This variant has been observed in at least one proband with clinical features consistent with Fabry disease (PMID:20367968;27560961). At least one functional study has demonstrated a substantial alteration in protein function relative to the wild-type (PMID:23935525). It is absent or not present at a significant frequency in gnomAD. In silico models predict that this variant is possibly or probably damaging. In conclusion, we classify GLA p.Trp349Arg (c.1045T>A) as a pathogenic variant.

Literature cited by the submitters: PubMed 20367968; PubMed 27560961; PubMed 23935525.